The following is an entry in ClinVar:

NM_001364905.1(LRBA):c.1859C>T (p.Thr620Met)

Gene: LRBA (LPS responsive beige-like anchor protein; minus strand). Cytogenetic location: 4q31.3.
Variant type: single nucleotide variant.
Coding change: c.1859C>T on transcript NM_001364905.1 (MANE Select); coding-DNA position 1859, C replaced by T.
Protein change: p.Thr620Met; replaces threonine 620 with methionine.
Molecular consequence: missense variant.
Genome position (GRCh38, 1-based): chr4:150,900,114, G>A on the plus strand (C>T on the coding strand, the complement: LRBA is on the minus strand). VCF-style: chr4-150900114-G-A. GRCh37 (hg19) VCF-style: chr4-151821266-G-A.
Other names: c.1859C>T, p.Thr620Met (NM_001367550.1, NM_006726.5, NM_001199282.3); short protein forms T620M.
Identifiers: ClinVar variation 853117 (VCV000853117.7), dbSNP rs1367929161, ClinGen allele CA358430153.

ClinVar aggregate classification (germline): Uncertain significance. Review status: criteria provided, multiple submitters, no conflicts (2 of 4 stars). 2 submissions from 2 submitters: Uncertain significance (2). Last evaluated 2024-03-18.

Conditions:
Inborn genetic diseases. Identifiers: MedGen C0950123, MeSH D030342.
Combined immunodeficiency due to LRBA deficiency. Also called: Common variable immunodeficiency 8, with autoimmunity. Identifiers: Orphanet 445018, MedGen C3553512, MONDO:0013863, OMIM 614700.

Allele frequency attached by ClinVar (database versions not stated): gnomAD 0.00001; gnomAD exomes 0.00003; TOPMed 0.00003.
gnomAD v4.1: 47 of 1,612,712 alleles (0.0029%); highest among the groups gnomAD compares: Admixed American, 0.005%; no homozygotes.

Submissions (2):

Ambry Genetics
Classification: Uncertain significance for Inborn genetic diseases. Last evaluated: 2024-03-18. Review status: criteria provided, single submitter. Criteria: Ambry Variant Classification Scheme 2023. Collection method: clinical testing. Allele origin: germline.

Labcorp Genetics (formerly Invitae), Labcorp
Classification: Uncertain significance for Combined immunodeficiency due to LRBA deficiency. Last evaluated: 2022-09-10. Review status: criteria provided, single submitter. Criteria: Invitae Variant Classification Sherloc (09022015). Collection method: clinical testing. Allele origin: germline.
Comment: This sequence change replaces threonine, which is neutral and polar, with methionine, which is neutral and non-polar, at codon 620 of the LRBA protein (p.Thr620Met). This variant is present in population databases (no rsID available, gnomAD 0.008%). This variant has not been reported in the literature in individuals affected with LRBA-related conditions. ClinVar contains an entry for this variant (Variation ID: 853117). Advanced modeling of protein sequence and biophysical properties (such as structural, functional, and spatial information, amino acid conservation, physicochemical variation, residue mobility, and thermodynamic stability) performed at Invitae indicates that this missense variant is not expected to disrupt LRBA protein function. In summary, the available evidence is currently insufficient to determine the role of this variant in disease. Therefore, it has been classified as a Variant of Uncertain Significance.